The following is an entry in ClinVar:

NM_001371623.1(TCOF1):c.1152dup (p.Gly385fs)

Gene: TCOF1 (treacle ribosome biogenesis factor 1; plus strand). Cytogenetic location: 5q32.
Variant type: Duplication.
Coding change: c.1152dup on transcript NM_001371623.1 (MANE Select); coding-DNA position 1152, one base duplicated (A; older notation c.1152dupA).
Protein change: p.Gly385fs; shifts the reading frame from glycine 385.
Molecular consequence: frameshift variant.
Genome position (GRCh38, 1-based): chr5:150,374,685, A duplicated; the last of 3 consecutive A bases (chr5:150,374,683-150,374,685); duplicating any one gives the same sequence. VCF-style (leftmost placement, unchanged base first): chr5-150374682-G-GA. GRCh37 (hg19) VCF-style: chr5-149754245-G-GA.
Other names: c.921dup, p.Gly308fs (NM_000356.4, NM_001135245.2); c.1152dup, p.Gly385fs (NM_001008657.3, NM_001135243.2, NM_001135244.2 and 1 more transcripts); short protein forms G308fs, G385fs.
Identifiers: ClinVar variation 3036934 (VCV003036934.2), dbSNP rs2533393669, ClinGen allele CA2740094143.

ClinVar aggregate classification (germline): Likely pathogenic (0 of 4 stars; one submission).

Conditions:
TCOF1-related disorder. Also called: TCOF1-related condition.

Submission:

PreventionGenetics, part of Exact Sciences
Classification: Likely pathogenic for TCOF1-related condition. Last evaluated: 2023-12-06. Review status: no assertion criteria provided. Collection method: clinical testing. Allele origin: germline.
Comment: The TCOF1 c.1152dupA variant is predicted to result in a frameshift and premature protein termination (p.Gly385Argfs*36). To our knowledge, this variant has not been reported in the literature or in a large population database, indicating this variant is rare. Frameshift variants in TCOF1 are expected to be pathogenic. This variant is interpreted as likely pathogenic.